The following is an entry in ClinVar:

NM_015046.7(SETX):c.2507G>T (p.Gly836Val)

Gene: SETX (senataxin; minus strand). Cytogenetic location: 9q34.13.
Variant type: single nucleotide variant.
Coding change: c.2507G>T on transcript NM_015046.7 (MANE Select); coding-DNA position 2507, G replaced by T.
Protein change: p.Gly836Val; replaces glycine 836 with valine.
Molecular consequence: missense variant.
Genome position (GRCh38, 1-based): chr9:132,329,091, C>A on the plus strand (G>T on the coding strand, the complement: SETX is on the minus strand). VCF-style: chr9-132329091-C-A. GRCh37 (hg19) VCF-style: chr9-135204478-C-A.
Other names: c.2507G>T, p.Gly836Val (NM_001351527.2, NM_001351528.2); short protein forms G836V.
Identifiers: ClinVar variation 3753933 (VCV003753933.2).

ClinVar aggregate classification (germline): Uncertain significance (1 of 4 stars; one submission).

Conditions:
Amyotrophic lateral sclerosis type 4 (ALS4). Also called: AMYOTROPHIC LATERAL SCLEROSIS 4, JUVENILE; NEURONOPATHY, DISTAL HEREDITARY MOTOR, WITH PYRAMIDAL FEATURES. Identifiers: Orphanet 357043, MedGen C1865409, MONDO:0011223, OMIM 602433.
Spinocerebellar ataxia, autosomal recessive, with axonal neuropathy 2 (SCAN2). Also called: ATAXIA-OCULOMOTOR APRAXIA 2; Ataxia with Oculomotor Apraxia Type 2; Ataxia-ocular apraxia-2; Ataxia with Oculomotor Apraxia. Identifiers: Orphanet 64753, MedGen C1853761, MONDO:0018996, OMIM 606002.

Submission:

Labcorp Genetics (formerly Invitae), Labcorp
Classification: Uncertain significance for Amyotrophic lateral sclerosis type 4; Spinocerebellar ataxia, autosomal recessive, with axonal neuropathy 2. Last evaluated: 2024-09-06. Review status: criteria provided, single submitter. Criteria: Invitae Variant Classification Sherloc (09022015). Collection method: clinical testing. Allele origin: germline.
Comment: This sequence change replaces glycine, which is neutral and non-polar, with valine, which is neutral and non-polar, at codon 836 of the SETX protein (p.Gly836Val). This variant is not present in population databases (gnomAD no frequency). This variant has not been reported in the literature in individuals affected with SETX-related conditions. Invitae Evidence Modeling of protein sequence and biophysical properties (such as structural, functional, and spatial information, amino acid conservation, physicochemical variation, residue mobility, and thermodynamic stability) indicates that this missense variant is not expected to disrupt SETX protein function with a negative predictive value of 95%. In summary, the available evidence is currently insufficient to determine the role of this variant in disease. Therefore, it has been classified as a Variant of Uncertain Significance.